The following is an entry in ClinVar:

NM_001367561.1(DOCK7):c.5014C>G (p.Leu1672Val)

Gene: DOCK7 (dedicator of cytokinesis 7; minus strand). Cytogenetic location: 1p31.3.
Variant type: single nucleotide variant.
Coding change: c.5014C>G on transcript NM_001367561.1 (MANE Select); coding-DNA position 5014, C replaced by G.
Protein change: p.Leu1672Val; replaces leucine 1672 with valine.
Molecular consequence: missense variant.
Genome position (GRCh38, 1-based): chr1:62,495,591, G>C on the plus strand (C>G on the coding strand, the complement: DOCK7 is on the minus strand). VCF-style: chr1-62495591-G-C. GRCh37 (hg19) VCF-style: chr1-62961262-G-C.
Other names: c.4987C>G, p.Leu1663Val (NM_001271999.2, NM_001330614.2); c.4894C>G, p.Leu1632Val (NM_001272000.2, NM_001272001.2); c.4921C>G, p.Leu1641Val (NM_033407.4); short protein forms L1641V, L1663V, L1672V, L1632V.
Identifiers: ClinVar variation 1021816 (VCV001021816.9), dbSNP rs1646598229, ClinGen allele CA340612788.
Genomic context (GRCh38, chr1:62,495,591, plus strand): 5'-GTCTTACTAAGTCCCTTATACAAAGCATAAATGAATCAAATAAATGCTACCTGTACATTA[G>C]ATCAATCAACATTTCAGGATCCTCCTGGTGTTCCTTCATTTTCACAGTATCAGAAAGAAT-3'
Protein context (NP_001354490.1, residues 1662-1682): HQEDPEMLID[Leu1672Val]MYRIAKGYQT

ClinVar aggregate classification (germline): Uncertain significance (1 of 4 stars; one submission).

Conditions:
Developmental and epileptic encephalopathy, 23 (DEE23). Also called: Epileptic encephalopathy, early infantile, 23. Identifiers: Orphanet 411986, MedGen C4014492, MONDO:0014371, OMIM 615859.

Submission:

Labcorp Genetics (formerly Invitae), Labcorp
Classification: Uncertain significance for Developmental and epileptic encephalopathy, 23. Last evaluated: 2020-08-10. Review status: criteria provided, single submitter. Criteria: Invitae Variant Classification Sherloc (09022015). Collection method: clinical testing. Allele origin: germline.
Comment: In summary, the available evidence is currently insufficient to determine the role of this variant in disease. Therefore, it has been classified as a Variant of Uncertain Significance. Algorithms developed to predict the effect of missense changes on protein structure and function (SIFT, PolyPhen-2, Align-GVGD) all suggest that this variant is likely to be disruptive, but these predictions have not been confirmed by published functional studies and their clinical significance is uncertain. This variant has not been reported in the literature in individuals with DOCK7-related conditions. This variant is not present in population databases (ExAC no frequency). This sequence change replaces leucine with valine at codon 1663 of the DOCK7 protein (p.Leu1663Val). The leucine residue is highly conserved and there is a small physicochemical difference between leucine and valine.